The following is an entry in ClinVar:

NM_001385012.1(NBEA):c.8035+3A>G

Gene: NBEA (neurobeachin; plus strand). Cytogenetic location: 13q13.3.
Variant type: single nucleotide variant.
Coding change: c.8035+3A>G on transcript NM_001385012.1 (MANE Select); 3 bases into the intron after coding-DNA position 8035, A replaced by G.
Molecular consequence: intron variant.
Genome position (GRCh38, 1-based): chr13:35,651,879, A>G. VCF-style: chr13-35651879-A-G. GRCh37 (hg19) VCF-style: chr13-36226016-A-G.
Other names: c.7972+3A>G (NM_015678.5); c.8026+3A>G (NM_001379245.1); c.1351+3A>G (NM_001204197.3).
Identifiers: ClinVar variation 4845550 (VCV004845550.1).

ClinVar aggregate classification (germline): Uncertain significance (1 of 4 stars; one submission).

Submission:

Greenwood Genetic Center Diagnostic Laboratories, Greenwood Genetic Center
Classification: Uncertain significance. Last evaluated: 2025-12-19. Review status: criteria provided, single submitter. Criteria: ACMG Guidelines, 2015. Collection method: clinical testing. Allele origin: germline. Affected: yes.
Comment: PM2